The following is an entry in ClinVar:

ClinVar aggregate classification (germline): Conflicting classifications of pathogenicity. Review status: criteria provided, conflicting classifications (1 of 4 stars). 2 submissions from 2 submitters: Pathogenic (1); Uncertain significance (1). Last evaluated 2021-12-13.

Submissions (2):

Labcorp Genetics (formerly Invitae), Labcorp
Classification: Pathogenic. Last evaluated: 2021-12-13. Review status: criteria provided, single submitter. Criteria: Invitae Variant Classification Sherloc (09022015). Collection method: clinical testing. Allele origin: germline.
Comment: For these reasons, this variant has been classified as Pathogenic. ClinVar contains an entry for this variant (Variation ID: 423222). This premature translational stop signal has been observed in individual(s) with dystonia (Invitae). This variant is not present in population databases (gnomAD no frequency). This sequence change creates a premature translational stop signal (p.Ala676Glyfs*2) in the ADCY5 gene. It is expected to result in an absent or disrupted protein product. Loss-of-function variants in ADCY5 are known to be pathogenic (PMID: 28971144, 34631954).

GeneDx
Classification: Uncertain significance. Last evaluated: 2017-01-25. Review status: criteria provided, single submitter. Criteria: GeneDx Variant Classification (06012015). Collection method: clinical testing. Allele origin: germline. Affected: yes.
Comment: The c.2026dupG variant in the ADCY5 gene has not been reported previously as a pathogenic variant nor as a benign variant, to our knowledge. This variant causes a frameshift starting with codon Alanine 676, changes this amino acid to a Glycine residue, and creates a premature Stop codon at position 2 of the new reading frame, denoted p.Ala676GlyfsX2. This variant is predicted to cause loss of normal protein function either through protein truncation or nonsense-mediated mRNA decay. The c.2026dupG variant was not observed in approximately 6500 individuals of European and African American ancestry in the NHLBI Exome Sequencing Project, indicating it is not a common benign variant in these populations. We interpret c.2026dupG as a variant of uncertain significance.

Literature cited by the submitters: PubMed 28971144 (cited by Labcorp Genetics (formerly Invitae), Labcorp); PubMed 34631954 (cited by Labcorp Genetics (formerly Invitae), Labcorp).

NM_183357.3(ADCY5):c.2026dup (p.Ala676fs)

Gene: ADCY5 (adenylate cyclase 5; minus strand). Cytogenetic location: 3q21.1.
Variant type: Duplication.
Coding change: c.2026dup on transcript NM_183357.3 (MANE Select); coding-DNA position 2026, one base duplicated (G; older notation c.2026dupG).
Protein change: p.Ala676fs; shifts the reading frame from alanine 676.
Molecular consequence: frameshift variant.
Genome position (GRCh38, 1-based): chr3:123,325,384, C duplicated on the plus strand (G on the coding strand, the reverse complement: ADCY5 is on the minus strand); the first of 6 consecutive C bases (chr3:123,325,384-123,325,389); duplicating any one gives the same sequence. VCF-style (leftmost placement, unchanged base first): chr3-123325383-G-GC. GRCh37 (hg19) VCF-style: chr3-123044230-G-GC.
Other names: c.2026dupG (NM_183357.2); c.976dup, p.Ala326fs (NM_001199642.1); c.2026dup, p.Ala676fs (NM_001378259.1); short protein forms A676fs, A326fs.
Identifiers: ClinVar variation 423222 (VCV000423222.6), dbSNP rs151195921, ClinGen allele CA16617820.